The following is an entry in ClinVar:

NM_177972.3(TUB):c.10A>G (p.Lys4Glu)

Gene: TUB (TUB bipartite transcription factor; plus strand). Cytogenetic location: 11p15.4.
Variant type: single nucleotide variant.
Coding change: c.10A>G on transcript NM_177972.3 (MANE Select); coding-DNA position 10, A replaced by G.
Protein change: p.Lys4Glu; replaces lysine 4 with glutamic acid.
Molecular consequence: missense variant. On other transcripts: intron variant (5).
Genome position (GRCh38, 1-based): chr11:8,081,520, A>G. VCF-style: chr11-8081520-A-G. GRCh37 (hg19) VCF-style: chr11-8103067-A-G.
Other names: c.10A>G, p.Lys4Glu (NM_001440541.1); c.57-8090A>G (NM_001440538.1, NM_001440539.1, NM_001440540.1 and 1 more transcripts); c.204-8090A>G (NM_003320.5); short protein forms K4E.
Identifiers: ClinVar variation 4981459 (VCV004981459.1).

ClinVar aggregate classification (germline): Uncertain significance (1 of 4 stars; one submission).

Conditions:
TUB-related disorder. Also called: TUB-related condition.

gnomAD v4.1: 18 of 1,550,986 alleles (0.0012%); highest among the groups gnomAD compares: Non-Finnish European, 0.0015%; no homozygotes.

Submission:

PreventionGenetics, part of Exact Sciences
Classification: Uncertain significance for TUB-related condition. Last evaluated: 2025-11-03. Review status: criteria provided, single submitter. Criteria: ACMG Guidelines, 2015. Collection method: clinical testing. Allele origin: germline.
Comment: The TUB c.10A>G variant is predicted to result in the amino acid substitution p.Lys4Glu. To our knowledge, this variant has not been reported in the literature or in a large population database (gnomAD), indicating this variant is rare. At this time, the clinical significance of this variant is uncertain due to the absence of conclusive functional and genetic evidence.